The following is an entry in ClinVar:

ClinVar aggregate classification (germline): Uncertain significance (1 of 4 stars; one submission).

Submission:

Labcorp Genetics (formerly Invitae), Labcorp
Classification: Uncertain significance. Last evaluated: 2022-08-12. Review status: criteria provided, single submitter. Criteria: Invitae Variant Classification Sherloc (09022015). Collection method: clinical testing. Allele origin: germline.
Comment: This sequence change replaces glycine, which is neutral and non-polar, with valine, which is neutral and non-polar, at codon 396 of the LEMD3 protein (p.Gly396Val). This variant is not present in population databases (gnomAD no frequency). This variant has not been reported in the literature in individuals affected with LEMD3-related conditions. Algorithms developed to predict the effect of missense changes on protein structure and function output the following: SIFT: "Deleterious"; PolyPhen-2: "Benign"; Align-GVGD: "Class C0". The valine amino acid residue is found in multiple mammalian species, which suggests that this missense change does not adversely affect protein function. In summary, the available evidence is currently insufficient to determine the role of this variant in disease. Therefore, it has been classified as a Variant of Uncertain Significance.

NM_014319.5(LEMD3):c.1187G>T (p.Gly396Val)

Gene: LEMD3 (LEM domain containing 3; plus strand). Cytogenetic location: 12q14.3.
Variant type: single nucleotide variant.
Coding change: c.1187G>T on transcript NM_014319.5 (MANE Select); coding-DNA position 1187, G replaced by T.
Protein change: p.Gly396Val; replaces glycine 396 with valine.
Molecular consequence: missense variant.
Genome position (GRCh38, 1-based): chr12:65,170,783, G>T. VCF-style: chr12-65170783-G-T. GRCh37 (hg19) VCF-style: chr12-65564563-G-T.
Other names: c.1187G>T, p.Gly396Val (NM_001167614.2); short protein forms G396V.
Identifiers: ClinVar variation 1970684 (VCV001970684.5), dbSNP rs2498940660, ClinGen allele CA385675210.